The following is an entry in ClinVar:

NM_015047.3(EMC1):c.2155G>A (p.Val719Ile)

Genes: EMC1 (ER membrane protein complex subunit 1; minus strand), EMC1-AS1 (EMC1 antisense RNA 1; plus strand). Cytogenetic location: 1p36.13.
Variant type: single nucleotide variant.
Coding change: c.2155G>A on transcript NM_015047.3 (MANE Select); coding-DNA position 2155, G replaced by A.
Protein change: p.Val719Ile; replaces valine 719 with isoleucine.
Molecular consequence: missense variant.
Genome position (GRCh38, 1-based): chr1:19,227,360, C>T on the plus strand (G>A on the coding strand, the complement: EMC1 is on the minus strand). VCF-style: chr1-19227360-C-T. GRCh37 (hg19) VCF-style: chr1-19553854-C-T.
Other names: c.2152G>A, p.Val718Ile (NM_001271427.2, NM_001271428.2); c.2089G>A, p.Val697Ile (NM_001271429.2); c.2164G>A, p.Val722Ile (NM_001375820.1); c.2161G>A, p.Val721Ile (NM_001375821.1); c.2155G>A (NM_015047.1); short protein forms V697I, V718I, V719I, V722I, V721I.
Identifiers: ClinVar variation 1497882 (VCV001497882.8), dbSNP rs1052665530, ClinGen allele CA18813038.

ClinVar aggregate classification (germline): Uncertain significance. Review status: criteria provided, multiple submitters, no conflicts (2 of 4 stars). 2 submissions from 2 submitters: Uncertain significance (2). Last evaluated 2024-12-05.

Conditions:
Inborn genetic diseases. Identifiers: MedGen C0950123, MeSH D030342.

Allele frequency attached by ClinVar (database versions not stated): gnomAD exomes below 0.00001; gnomAD 0.00001; TOPMed 0.00002.
gnomAD v4.1: 6 of 1,614,078 alleles (0.00037%); highest among the groups gnomAD compares: East Asian, 0.0022%; no homozygotes.

Submissions (2):

Labcorp Genetics (formerly Invitae), Labcorp
Classification: Uncertain significance. Last evaluated: 2024-12-05. Review status: criteria provided, single submitter. Criteria: Invitae Variant Classification Sherloc (09022015). Collection method: clinical testing. Allele origin: germline.
Comment: This sequence change replaces valine, which is neutral and non-polar, with isoleucine, which is neutral and non-polar, at codon 719 of the EMC1 protein (p.Val719Ile). This variant is not present in population databases (gnomAD no frequency). This variant has not been reported in the literature in individuals affected with EMC1-related conditions. ClinVar contains an entry for this variant (Variation ID: 1497882). Invitae Evidence Modeling of protein sequence and biophysical properties (such as structural, functional, and spatial information, amino acid conservation, physicochemical variation, residue mobility, and thermodynamic stability) indicates that this missense variant is not expected to disrupt EMC1 protein function with a negative predictive value of 80%. In summary, the available evidence is currently insufficient to determine the role of this variant in disease. Therefore, it has been classified as a Variant of Uncertain Significance.

Ambry Genetics
Classification: Uncertain significance for Inborn genetic diseases. Last evaluated: 2023-08-04. Review status: criteria provided, single submitter. Criteria: Ambry Variant Classification Scheme 2023. Collection method: clinical testing. Allele origin: germline.